The following is an entry in ClinVar:

ClinVar aggregate classification (germline): Uncertain significance. Review status: criteria provided, multiple submitters, no conflicts (2 of 4 stars). 2 submissions from 2 submitters: Uncertain significance (2). Last evaluated 2025-08-21.

Conditions:
Hereditary cancer-predisposing syndrome. Also called: Neoplastic Syndromes, Hereditary; Hereditary Cancer Syndrome; Tumor predisposition; Hereditary neoplastic syndrome. Identifiers: Orphanet 140162, MedGen C0027672, MeSH D009386, MONDO:0015356.
Ataxia-telangiectasia syndrome (AT). Also called: LOUIS-BAR SYNDROME; Cerebello-oculocutaneous telangiectasia; Immunodeficiency with ataxia telangiectasia; Ataxia-telangiectasia, complementation group D; AT, COMPLEMENTATION GROUP C; Ataxia-telangiectasia, complementation group E. Identifiers: Orphanet 100, MedGen C0004135, MONDO:0008840, OMIM 208900.

Submissions (2):

Labcorp Genetics (formerly Invitae), Labcorp
Classification: Uncertain significance for Ataxia-telangiectasia syndrome. Last evaluated: 2025-08-21. Review status: criteria provided, single submitter. Criteria: Invitae Variant Classification Sherloc (09022015). Collection method: clinical testing. Allele origin: germline.
Comment: This sequence change replaces arginine, which is basic and polar, with proline, which is neutral and non-polar, at codon 2461 of the ATM protein (p.Arg2461Pro). This variant is not present in population databases (gnomAD no frequency). This variant has not been reported in the literature in individuals affected with ATM-related conditions. ClinVar contains an entry for this variant (Variation ID: 453681). Invitae Evidence Modeling of protein sequence and biophysical properties (such as structural, functional, and spatial information, amino acid conservation, physicochemical variation, residue mobility, and thermodynamic stability) has been performed for this missense variant. However, the output from this modeling did not meet the statistical confidence thresholds required to predict the impact of this variant on ATM protein function. In summary, the available evidence is currently insufficient to determine the role of this variant in disease. Therefore, it has been classified as a Variant of Uncertain Significance.

Ambry Genetics
Classification: Uncertain significance for Hereditary cancer-predisposing syndrome. Last evaluated: 2023-02-20. Review status: criteria provided, single submitter. Criteria: Ambry Variant Classification Scheme 2023. Collection method: clinical testing. Allele origin: germline.
Comment: The p.R2461P variant (also known as c.7382G>C), located in coding exon 49 of the ATM gene, results from a G to C substitution at nucleotide position 7382. The arginine at codon 2461 is replaced by proline, an amino acid with dissimilar properties. This alteration was observed in 1/7,051 unselected female breast cancer patients and was observed in 1/11,241 female controls of Japanese ancestry. In addition, it was not observed in unselected male breast cancer patients or in the male controls of Japanese ancestry (Momozawa Y et al. Nat Commun. 2018 10;9:4083). This amino acid position is well conserved in available vertebrate species. In addition, this alteration is predicted to be deleterious by in silico analysis. Since supporting evidence is limited at this time, the clinical significance of this alteration remains unclear.

Literature cited by the submitters: PubMed 30287823 (cited by Ambry Genetics).

NM_000051.4(ATM):c.7382G>C (p.Arg2461Pro)

Genes: C11orf65 (chromosome 11 open reading frame 65; minus strand), ATM (ATM serine/threonine kinase; plus strand). Cytogenetic location: 11q22.3.
Variant type: single nucleotide variant.
Coding change: c.7382G>C on transcript NM_000051.4 (MANE Select); coding-DNA position 7382, G replaced by C.
Protein change: p.Arg2461Pro; replaces arginine 2461 with proline.
Molecular consequence: missense variant. On other transcripts: intron variant (2).
Genome position (GRCh38, 1-based): chr11:108,330,288, G>C. VCF-style: chr11-108330288-G-C. GRCh37 (hg19) VCF-style: chr11-108201015-G-C.
Other names: c.7382G>C, p.Arg2461Pro (NM_001351834.2); c.641-21217C>G (NM_001330368.2); c.*38+4932C>G (NM_001351110.2); short protein forms R2461P.
Identifiers: ClinVar variation 453681 (VCV000453681.15), dbSNP rs768461085, ClinGen allele CA382560025.